The following is an entry in ClinVar:

ClinVar aggregate classification (germline): Uncertain significance (1 of 4 stars; one submission).

Conditions:
Catecholaminergic polymorphic ventricular tachycardia 1. Also called: RYR2-Related Catecholaminergic Polymorphic Ventricular Tachycardia; VENTRICULAR TACHYCARDIA, STRESS-INDUCED POLYMORPHIC 1; VENTRICULAR TACHYCARDIA, CATECHOLAMINERGIC POLYMORPHIC, 1, WITH OR WITHOUT ATRIAL DYSFUNCTION AND/OR DILATED CARDIOMYOPATHY. Identifiers: Orphanet 3286, MedGen C1631597, MONDO:0011484, OMIM 604772.

Allele frequency attached by ClinVar (database versions not stated): TOPMed below 0.00001; gnomAD exomes 0.00001.
gnomAD v4.1: 17 of 1,610,254 alleles (0.0011%); highest among the groups gnomAD compares: Non-Finnish European, 0.0014%; no homozygotes.

Submission:

Labcorp Genetics (formerly Invitae), Labcorp
Classification: Uncertain significance for Catecholaminergic polymorphic ventricular tachycardia 1. Last evaluated: 2020-12-23. Review status: criteria provided, single submitter. Criteria: Invitae Variant Classification Sherloc (09022015). Collection method: clinical testing. Allele origin: germline.
Comment: In summary, the available evidence is currently insufficient to determine the role of this variant in disease. Therefore, it has been classified as a Variant of Uncertain Significance. This variant has not been reported in the literature in individuals with TRDN-related conditions. This variant is not present in population databases (ExAC no frequency). This sequence change creates a premature translational stop signal (p.Glu498*) in the TRDN gene. It is expected to result in an absent or disrupted protein product. This variant occurs in the long isoform of TRDN, also known as Trisk-95 (PMID: 19403623). The current clinical and genetic evidence is not sufficient to establish whether loss-of-function variants in the long isoform of TRDN cause disease.

Literature cited by the submitters: PubMed 19403623.

NM_006073.4(TRDN):c.1492G>T (p.Glu498Ter)

Gene: TRDN (triadin; minus strand). Cytogenetic location: 6q22.31.
Variant type: single nucleotide variant.
Coding change: c.1492G>T on transcript NM_006073.4 (MANE Select); coding-DNA position 1492, G replaced by T.
Protein change: p.Glu498Ter; replaces glutamic acid 498 with a stop codon.
Molecular consequence: nonsense.
Genome position (GRCh38, 1-based): chr6:123,316,475, C>A on the plus strand (G>T on the coding strand, the complement: TRDN is on the minus strand). VCF-style: chr6-123316475-C-A. GRCh37 (hg19) VCF-style: chr6-123637620-C-A.
Other names: short protein forms E498*.
Identifiers: ClinVar variation 1030072 (VCV001030072.11), dbSNP rs1779027425, ClinGen allele CA365562538.
Genomic context (GRCh38, chr6:123,316,475, plus strand): 5'-CAGAACATCTCCTTGTATGTAAATCTTACAAAATATCCTTACCTGCTTTGGACATCTTTT[C>A]ATCTTTTTTAGTTTCAGGTTCTGGGGCAAAACGTACACATAAACACGTACAAACAAAAGG-3'